The following is an entry in ClinVar:

NM_001352514.2(HLCS):c.2237-1G>A

Gene: HLCS (holocarboxylase synthetase; minus strand). Cytogenetic location: 21q22.13.
Variant type: single nucleotide variant.
Coding change: c.2237-1G>A on transcript NM_001352514.2 (MANE Select); the canonical splice acceptor site of the intron before coding-DNA position 2237, G replaced by A.
Molecular consequence: splice acceptor variant. On other transcripts: non-coding transcript variant (2).
Genome position (GRCh38, 1-based): chr21:36,756,756, C>T on the plus strand (G>A on the coding strand, the complement: HLCS is on the minus strand). VCF-style: chr21-36756756-C-T. GRCh37 (hg19) VCF-style: chr21-38129057-C-T.
Other names: c.1796-1G>A (NM_001352517.1, NM_001242784.3, NM_001352518.2 and 4 more transcripts).
Identifiers: ClinVar variation 4818327 (VCV004818327.1).

ClinVar aggregate classification (germline): Likely pathogenic (1 of 4 stars; one submission).

Conditions:
Holocarboxylase synthetase deficiency. Also called: MULTIPLE CARBOXYLASE DEFICIENCY, EARLY ONSET. Identifiers: Orphanet 79242, MedGen C0268581, MONDO:0009666, OMIM 253270.

Submission:

Natera, Inc.
Classification: Likely pathogenic for Holocarboxylase synthetase deficiency. Last evaluated: 2024-04-10. Review status: criteria provided, single submitter. Criteria: Natera Variant Classification Schema (03/2026). Collection method: clinical testing. Allele origin: germline.
Comment: The c.1796-1G>A variant in HLCS is a canonical splice acceptor site variant predicted to affect pre-mRNA splicing, which may result in an abnormal transcript and altered protein product. This variant is expected to result in nonsense mediated decay, truncation, or a dysfunctional protein product. This variant is rare in the general population with a frequency below the threshold expected for the associated phenotype(s). Given the available evidence, this variant is classified as Likely Pathogenic.